The following is an entry in ClinVar:

ClinVar aggregate classification (germline): Uncertain significance (1 of 4 stars; one submission).

Submission:

CeGaT Center for Human Genetics Tuebingen
Classification: Uncertain significance. Last evaluated: 2023-11-01. Review status: criteria provided, single submitter. Criteria: CeGaT Center For Human Genetics Tuebingen Variant Classification Criteria Version 2. Collection method: clinical testing. Allele origin: germline. Affected: yes. Observed: 3 variant alleles.
Comment: PKD1: PM2, PS4:Supporting

NM_001009944.3(PKD1):c.11654T>G (p.Val3885Gly)

Genes: PKD1 (polycystin 1, transient receptor potential channel interacting; minus strand), PKD1-AS1 (PKD1 antisense RNA 1; plus strand). Cytogenetic location: 16p13.3.
Variant type: single nucleotide variant.
Coding change: c.11654T>G on transcript NM_001009944.3 (MANE Select); coding-DNA position 11654, T replaced by G.
Protein change: p.Val3885Gly; replaces valine 3885 with glycine.
Molecular consequence: missense variant. On other transcripts: non-coding transcript variant (1).
Genome position (GRCh38, 1-based): chr16:2,091,481, A>C on the plus strand (T>G on the coding strand, the complement: PKD1 is on the minus strand). VCF-style: chr16-2091481-A-C. GRCh37 (hg19) VCF-style: chr16-2141482-A-C.
Other names: c.11651T>G, p.Val3884Gly (NM_000296.4); short protein forms V3884G, V3885G.
Identifiers: ClinVar variation 2645983 (VCV002645983.24), dbSNP rs80360483, ClinGen allele CA276766102.